The following is an entry in ClinVar:

ClinVar aggregate classification (germline): Pathogenic. Review status: criteria provided, multiple submitters, no conflicts (2 of 4 stars). 3 submissions from 3 submitters: Pathogenic (3). Last evaluated 2023-08-28.

Conditions:
Hereditary nonpolyposis colorectal neoplasms. Identifiers: MedGen C0009405, MeSH D003123.
Hereditary cancer-predisposing syndrome. Also called: Neoplastic Syndromes, Hereditary; Tumor predisposition; Hereditary Cancer Syndrome; Hereditary neoplastic syndrome. Identifiers: Orphanet 140162, MedGen C0027672, MeSH D009386, MONDO:0015356.
Lynch syndrome 5 (LYNCH5). Also called: Colorectal cancer, hereditary nonpolyposis, type 5; Hereditary non-polyposis colorectal cancer, type 5. Identifiers: Orphanet 144, MedGen C1833477, MONDO:0013710, OMIM 614350. Disease mechanism: loss of function.

Submissions (3):

Myriad Genetics, Inc.
Classification: Pathogenic for Lynch syndrome 5. Last evaluated: 2023-08-28. Review status: criteria provided, single submitter. Criteria: Myriad Autosomal Dominant, Autosomal Recessive and X-Linked Classification Criteria (2023). Collection method: clinical testing. Allele origin: unknown.
Comment: This variant is considered pathogenic. This variant creates a frameshift predicted to result in premature protein truncation.

Labcorp Genetics (formerly Invitae), Labcorp
Classification: Pathogenic for Hereditary nonpolyposis colorectal neoplasms. Last evaluated: 2023-02-13. Review status: criteria provided, single submitter. Criteria: Invitae Variant Classification Sherloc (09022015). Collection method: clinical testing. Allele origin: germline.
Comment: This sequence change creates a premature translational stop signal (p.Gln1314Argfs*9) in the MSH6 gene. While this is not anticipated to result in nonsense mediated decay, it is expected to disrupt the last 47 amino acid(s) of the MSH6 protein. This variant is not present in population databases (gnomAD no frequency). This variant has not been reported in the literature in individuals affected with MSH6-related conditions. ClinVar contains an entry for this variant (Variation ID: 1736234). This variant disrupts a region of the MSH6 protein in which other variant(s) (p.Leu1330Valfs*12) have been determined to be pathogenic (PMID: 14520694, 15236168, 16237223, 19851887, 21155762). This suggests that this is a clinically significant region of the protein, and that variants that disrupt it are likely to be disease-causing. For these reasons, this variant has been classified as Pathogenic.

Ambry Genetics
Classification: Pathogenic for Hereditary cancer-predisposing syndrome. Last evaluated: 2021-08-25. Review status: criteria provided, single submitter. Criteria: Ambry Variant Classification Scheme 2023. Collection method: clinical testing. Allele origin: germline.
Comment: The c.3927_3939dup13 variant, located in coding exon 9 of the MSH6 gene, results from a duplication of AGAGGAAGTTATT at nucleotide position 3927, causing a translational frameshift with a predicted alternate stop codon (p.Q1314Rfs*9). This variant was not reported in population-based cohorts in the Genome Aggregation Database (gnomAD). This alteration occurs at the 3' terminus of theMSH6 gene, is not expected to trigger nonsense-mediated mRNA decay, and only impacts the last 39 AA of the protein. However, premature stop codons are typically deleterious in nature and the impacted region is critical for protein function (Ambry internal data). Based on the supporting evidence, this alteration is interpreted as a disease-causing mutation.

Literature cited by the submitters: PubMed 14520694 (cited by Labcorp Genetics (formerly Invitae), Labcorp); PubMed 15236168 (cited by Labcorp Genetics (formerly Invitae), Labcorp); PubMed 16237223 (cited by Labcorp Genetics (formerly Invitae), Labcorp); PubMed 19851887 (cited by Labcorp Genetics (formerly Invitae), Labcorp); PubMed 21155762 (cited by Labcorp Genetics (formerly Invitae), Labcorp).

NM_000179.3(MSH6):c.3927_3939dup (p.Gln1314fs)

Gene: MSH6 (mutS homolog 6; plus strand). Cytogenetic location: 2p16.3.
Variant type: Duplication.
Coding change: c.3927_3939dup on transcript NM_000179.3 (MANE Select); coding-DNA positions 3927 to 3939, 13 bases duplicated (AGAGGAAGTTATT).
Protein change: p.Gln1314fs; shifts the reading frame from glutamine 1314.
Molecular consequence: frameshift variant.
Genome position (GRCh38, 1-based): chr2:47,806,577-47,806,589, AGAGGAAGTTATT duplicated. VCF-style (leftmost placement, unchanged base first): chr2-47806576-C-CAGAGGAAGTTATT. GRCh37 (hg19) VCF-style: chr2-48033715-C-CAGAGGAAGTTATT.
Other names: c.3537_3549dup, p.Gln1184fs (NM_001281492.2); c.3021_3033dup, p.Gln1012fs (NM_001281493.2, NM_001281494.2); c.4023_4035dup, p.Gln1346Argfs (NM_001406795.1); c.3927_3939dup, p.Gln1314Argfs (NM_001406796.1, NM_001406808.1, NM_001406809.1); c.3630_3642dup, p.Gln1215Argfs (NM_001406797.1, NM_001406801.1, NM_001406805.1 and 10 more transcripts); c.3753_3765dup, p.Gln1256Argfs (NM_001406798.1); c.3402_3414dup, p.Gln1139Argfs (NM_001406799.1, NM_001406806.1, NM_001406807.1); c.3914_3926dup, p.Phe1309Leufs (NM_001406800.1); and 10 more; short protein forms Q1012fs, Q1314fs, Q1184fs.
Identifiers: ClinVar variation 1736234 (VCV001736234.6), dbSNP rs2530870827, ClinGen allele CA2580067468.